The following is an entry in ClinVar:

ClinVar aggregate classification (germline): Uncertain significance. Review status: criteria provided, multiple submitters, no conflicts (2 of 4 stars). 2 submissions from 2 submitters: Uncertain significance (2). Last evaluated 2019-10-21.

Conditions:
Catecholaminergic polymorphic ventricular tachycardia 5 (CARDAR). Also called: CARDIAC ARRHYTHMIA SYNDROME, WITH OR WITHOUT SKELETAL MUSCLE WEAKNESS; Ventricular tachycardia, catecholaminergic polymorphic, 5, with or without muscle weakness. Identifiers: Orphanet 3286, MedGen C3809536, MONDO:0014191, OMIM 615441.
Cardiovascular phenotype. Identifiers: MedGen CN230736.

Allele frequency attached by ClinVar (database versions not stated): gnomAD exomes below 0.00001; gnomAD 0.00001; ExAC 0.00002.

Submissions (2):

Ambry Genetics
Classification: Uncertain significance for Cardiovascular phenotype. Last evaluated: 2019-10-21. Review status: criteria provided, single submitter. Criteria: Ambry Variant Classification Scheme 2023. Collection method: clinical testing. Allele origin: germline.
Comment: The p.A95V variant (also known as c.284C>T), located in coding exon 3 of the TRDN gene, results from a C to T substitution at nucleotide position 284. The alanine at codon 95 is replaced by valine, an amino acid with similar properties. This amino acid position is well conserved in available vertebrate species; however, valine is the reference amino acid in other vertebrate species. In addition, the in silico prediction for this alteration is inconclusive. Since supporting evidence is limited at this time, the clinical significance of this alteration remains unclear.

ARUP Laboratories, Molecular Genetics and Genomics, ARUP Laboratories
Classification: Uncertain significance for Catecholaminergic polymorphic ventricular tachycardia 5. Last evaluated: 2019-05-02. Review status: criteria provided, single submitter. Criteria: ARUP Molecular Germline Variant Investigation Process. Collection method: clinical testing. Allele origin: germline.
Comment: The TRDN c.284C>T; p.Ala95Val variant (rs764770921), to our knowledge, is not reported in the medical literature or gene specific databases. This variant is only observed on two alleles in the Genome Aggregation Database, indicating it is not a common polymorphism. The alanine at codon 95 is moderately conserved, and computational analyses (SIFT: tolerated, PolyPhen-2: possibly damaging) predict conflicting effects of this variant on protein structure/function. Due to limited information, the clinical significance of the p.Ala95Val variant is uncertain at this time.

NM_006073.4(TRDN):c.284C>T (p.Ala95Val)

Gene: TRDN (triadin; minus strand). Cytogenetic location: 6q22.31.
Variant type: single nucleotide variant.
Coding change: c.284C>T on transcript NM_006073.4 (MANE Select); coding-DNA position 284, C replaced by T.
Protein change: p.Ala95Val; replaces alanine 95 with valine.
Molecular consequence: missense variant.
Genome position (GRCh38, 1-based): chr6:123,548,561, G>A on the plus strand (C>T on the coding strand, the complement: TRDN is on the minus strand). VCF-style: chr6-123548561-G-A. GRCh37 (hg19) VCF-style: chr6-123869706-G-A.
Other names: c.284C>T, p.Ala95Val (NM_001251987.2, NM_001256020.2, NM_001256021.2 and 1 more transcripts); short protein forms A95V.
Identifiers: ClinVar variation 811386 (VCV000811386.9), dbSNP rs764770921, ClinGen allele CA3984422.